The following is an entry in ClinVar:

ClinVar aggregate classification (germline): Conflicting classifications of pathogenicity. Review status: criteria provided, conflicting classifications (1 of 4 stars). 8 submissions from 8 submitters: Uncertain significance (3); Likely benign (5). Last evaluated 2026-02-01.

Conditions:
FLNB-Related Spectrum Disorders.
Larsen syndrome (LRS). Also called: Bilateral dislocation of the knees, pes cavus, cylindrically shaped fingers and characteristic facies; Larsen syndrome (FLNB-LS). Identifiers: Orphanet 503, MedGen C0175778, MONDO:0007875, OMIM 150250. Disease mechanism: loss of function.
Atelosteogenesis type III. Also called: Atelosteogenesis Type 3 (FLNB-AO3). Identifiers: Orphanet 56305, MedGen C3668942, MONDO:0007168, OMIM 108721.
Spondylocarpotarsal synostosis syndrome (SCT). Also called: Synspondylism congenital; Scoliosis, congenital with unilateral unsegmented bar; SPONDYLOCARPOTARSAL SYNDROME; VERTEBRAL FUSION WITH CARPAL COALITION; Spondylocarpotarsal Synostosis Syndrome (FLNB-SCT). Identifiers: Orphanet 3275, MedGen C1848934, MONDO:0010094, OMIM 272460.
Atelosteogenesis type I. Also called: SPONDYLOHUMEROFEMORAL HYPOPLASIA; Atelosteogenesis Type 1 (FLNB-AO1); GIANT CELL CHONDRODYSPLASIA. Identifiers: Orphanet 1190, MedGen C0265283, MONDO:0007167, OMIM 108720.
Boomerang dysplasia. Identifiers: Orphanet 1263, MedGen C0432201, MONDO:0007208, OMIM 112310.

Allele frequency attached by ClinVar (database versions not stated): 1000 Genomes Project 30x 0.00016; 1000 Genomes Project 0.00020; TOPMed 0.00057; ESP Exome Variant Server 0.00069.
gnomAD v4.1: 937 of 1,614,034 alleles (0.058%); highest among the groups gnomAD compares: Non-Finnish European, 0.067%; 2 homozygotes.

Submissions (8):

Labcorp Genetics (formerly Invitae), Labcorp
Classification: Likely benign. Last evaluated: 2026-02-01. Review status: criteria provided, single submitter. Criteria: Invitae Variant Classification Sherloc (09022015). Collection method: clinical testing. Allele origin: germline.

Blueprint Genetics
Classification: Likely benign. Last evaluated: 2024-11-15. Review status: criteria provided, single submitter. Criteria: ACMG Guidelines, 2015. Collection method: clinical testing. Allele origin: germline.

GeneDx
Classification: Uncertain significance. Last evaluated: 2024-06-24. Review status: criteria provided, single submitter. Criteria: GeneDx Variant Classification Process June 2021. Collection method: clinical testing. Allele origin: germline. Affected: yes.
Comment: In silico analysis supports that this missense variant has a deleterious effect on protein structure/function; Reported in an individual with severe specific language impairment with unknown phase with another variant in the FLNB gene and a variant in the CNTAP2 gene (PMID: 28440294); This variant is associated with the following publications: (PMID: 28440294)

Fulgent Genetics
Classification: Uncertain significance for Atelosteogenesis type I; Atelosteogenesis type III; Boomerang dysplasia; Larsen syndrome; Spondylocarpotarsal synostosis syndrome. Last evaluated: 2024-02-20. Review status: criteria provided, single submitter. Criteria: ACMG Guidelines, 2015. Collection method: clinical testing. Allele origin: germline.

CeGaT Center for Human Genetics Tuebingen
Classification: Uncertain significance. Last evaluated: 2023-09-01. Review status: criteria provided, single submitter. Criteria: CeGaT Center For Human Genetics Tuebingen Variant Classification Criteria Version 2. Collection method: clinical testing. Allele origin: germline. Affected: yes. Observed: 1 variant allele.
Comment: FLNB: PP3

ARUP Laboratories, Molecular Genetics and Genomics, ARUP Laboratories
Classification: Likely benign. Last evaluated: 2020-12-11. Review status: criteria provided, single submitter. Criteria: ARUP Molecular Germline Variant Investigation Process 2021. Collection method: clinical testing. Allele origin: germline.

Illumina Laboratory Services, Illumina
Classification: Likely benign for FLNB-Related Spectrum Disorders. Last evaluated: 2018-01-12. Review status: criteria provided, single submitter. Criteria: ICSL Variant Classification Criteria 13 December 2019. Collection method: clinical testing. Allele origin: germline.
Comment: This variant was observed in the ICSL laboratory as part of a predisposition screen in an ostensibly healthy population. It had not been previously curated by ICSL or reported in the Human Gene Mutation Database (HGMD: prior to June 1st, 2018), and was therefore a candidate for classification through an automated scoring system. Utilizing variant allele frequency, disease prevalence and penetrance estimates, and inheritance mode, an automated score was calculated to assess if this variant is too frequent to cause the disease. Based on the score and internal cut-off values, a variant classified as likely benign is not then subjected to further curation. The score for this variant resulted in a classification of likely benign for this disease.

Eurofins Ntd Llc (ga)
Classification: Likely benign. Last evaluated: 2015-05-27. Review status: criteria provided, single submitter. Criteria: EGL Classification Definitions 2015. Collection method: clinical testing. Allele origin: germline. Observed: 1 variant allele, 1 heterozygote.

NM_001457.4(FLNB):c.2773G>T (p.Gly925Cys)

Gene: FLNB (filamin B; plus strand). Cytogenetic location: 3p14.3.
Variant type: single nucleotide variant.
Coding change: c.2773G>T on transcript NM_001457.4 (MANE Select); coding-DNA position 2773, G replaced by T.
Protein change: p.Gly925Cys; replaces glycine 925 with cysteine.
Molecular consequence: missense variant.
Genome position (GRCh38, 1-based): chr3:58,118,899, G>T. VCF-style: chr3-58118899-G-T. GRCh37 (hg19) VCF-style: chr3-58104626-G-T.
Other names: c.2773G>T, p.Gly925Cys (NM_001164317.2, NM_001164318.2, NM_001164319.2); short protein forms G925C.
Identifiers: ClinVar variation 194935 (VCV000194935.49), dbSNP rs139875974, ClinGen allele CA201444.
Genomic context (GRCh38, chr3:58,118,899, plus strand): 5'-CAAAGGTAAACTGAGTTTTCTCTCTTGTTCCAGGGCAACATGCAGGTTCTGGTGACTTAC[G>T]GTGGCGATCCCATCCCTAAAAGCCCTTTCACTGTGGGTGTTGCTGCACCGCTGGATCTGA-3'
Protein context (NP_001448.2, residues 915-935): QGNMQVLVTY[Gly925Cys]GDPIPKSPFT